The following is an entry in ClinVar:

ClinVar aggregate classification (germline): Uncertain significance (1 of 4 stars; one submission).

Submission:

Labcorp Genetics (formerly Invitae), Labcorp
Classification: Uncertain significance. Last evaluated: 2022-08-23. Review status: criteria provided, single submitter. Criteria: Invitae Variant Classification Sherloc (09022015). Collection method: clinical testing. Allele origin: germline.
Comment: This sequence change replaces glutamic acid, which is acidic and polar, with aspartic acid, which is acidic and polar, at codon 278 of the MME protein (p.Glu278Asp). This variant is not present in population databases (gnomAD no frequency). This variant has not been reported in the literature in individuals affected with MME-related conditions. ClinVar contains an entry for this variant (Variation ID: 1398120). Algorithms developed to predict the effect of missense changes on protein structure and function output the following: SIFT: "Tolerated"; PolyPhen-2: "Benign"; Align-GVGD: "Class C0". The aspartic acid amino acid residue is found in multiple mammalian species, which suggests that this missense change does not adversely affect protein function. In summary, the available evidence is currently insufficient to determine the role of this variant in disease. Therefore, it has been classified as a Variant of Uncertain Significance.

NM_007289.4(MME):c.834A>T (p.Glu278Asp)

Gene: MME (membrane metalloendopeptidase; plus strand). Cytogenetic location: 3q25.2.
Variant type: single nucleotide variant.
Coding change: c.834A>T on transcript NM_007289.4 (MANE Select); coding-DNA position 834, A replaced by T.
Protein change: p.Glu278Asp; replaces glutamic acid 278 with aspartic acid.
Molecular consequence: missense variant.
Genome position (GRCh38, 1-based): chr3:155,138,215, A>T. VCF-style: chr3-155138215-A-T. GRCh37 (hg19) VCF-style: chr3-154856004-A-T.
Other names: c.834A>T, p.Glu278Asp (NM_000902.5, NM_001354642.2, NM_001354643.1 and 2 more transcripts); short protein forms E278D.
Identifiers: ClinVar variation 1398120 (VCV001398120.8), dbSNP rs1720788222, ClinGen allele CA355129420.
Genomic context (GRCh38, chr3:155,138,215, plus strand): 5'-GGAAGAAAGATTGCCCATCGATGAAAACCAGCTTGCTTTGGAAATGAATAAAGTTATGGA[A>T]TTGGAAAAAGAAATTGCCAATGTAAAACACATTTTTTTTTCTGATACACTGAATAATGTC-3'
Protein context (NP_009220.2, residues 268-288): QLALEMNKVM[Glu278Asp]LEKEIANATA